The following is an entry in ClinVar:

ClinVar aggregate classification (germline): Pathogenic. Review status: criteria provided, multiple submitters, no conflicts (2 of 4 stars). 2 submissions from 2 submitters: Pathogenic (2). Last evaluated 2023-05-12.

Conditions:
Inborn genetic diseases. Identifiers: MedGen C0950123, MeSH D030342.
Pontocerebellar hypoplasia type 1A (PCH1A). Also called: PONTOCEREBELLAR HYPOPLASIA WITH ANTERIOR HORN CELL DISEASE; PONTOCEREBELLAR HYPOPLASIA WITH INFANTILE SPINAL MUSCULAR ATROPHY. Identifiers: Orphanet 2254, Orphanet 88616, MedGen C1843504, MONDO:0011866, OMIM 607596.

Allele frequency attached by ClinVar (database versions not stated): gnomAD exomes 0.00001.
gnomAD v4.1: 7 of 1,613,876 alleles (0.00043%); highest among the groups gnomAD compares: Non-Finnish European, 0.00059%; no homozygotes.

Submissions (2):

Ambry Genetics
Classification: Pathogenic for Inborn genetic diseases. Last evaluated: 2023-05-12. Review status: criteria provided, single submitter. Criteria: Ambry Variant Classification Scheme 2023. Collection method: clinical testing. Allele origin: germline.
Comment: The c.464T>A (p.L155*) alteration, located in exon 6 (coding exon 5) of the VRK1 gene, consists of a T to A substitution at nucleotide position 464. This changes the amino acid from a leucine (L) to a stop codon at amino acid position 155. This alteration is expected to result in loss of function by premature protein truncation or nonsense-mediated mRNA decay. This allele was reported in one heterozygous individual in population-based cohorts in the Genome Aggregation Database (gnomAD). Based on the available evidence, this alteration is classified as pathogenic.

Labcorp Genetics (formerly Invitae), Labcorp
Classification: Pathogenic for Pontocerebellar hypoplasia type 1A. Last evaluated: 2023-03-04. Review status: criteria provided, single submitter. Criteria: Invitae Variant Classification Sherloc (09022015). Collection method: clinical testing. Allele origin: germline.
Comment: For these reasons, this variant has been classified as Pathogenic. This variant has not been reported in the literature in individuals affected with VRK1-related conditions. This sequence change creates a premature translational stop signal (p.Leu155*) in the VRK1 gene. It is expected to result in an absent or disrupted protein product. Loss-of-function variants in VRK1 are known to be pathogenic (PMID: 19646678, 24126608, 27281532). This variant is present in population databases (no rsID available, gnomAD 0.0009%).

Literature cited by the submitters: PubMed 19646678 (cited by Labcorp Genetics (formerly Invitae), Labcorp); PubMed 24126608 (cited by Labcorp Genetics (formerly Invitae), Labcorp); PubMed 27281532 (cited by Labcorp Genetics (formerly Invitae), Labcorp).

NM_003384.3(VRK1):c.464T>A (p.Leu155Ter)

Gene: VRK1 (VRK serine/threonine kinase 1; plus strand). Cytogenetic location: 14q32.2.
Variant type: single nucleotide variant.
Coding change: c.464T>A on transcript NM_003384.3 (MANE Select); coding-DNA position 464, T replaced by A.
Protein change: p.Leu155Ter; replaces leucine 155 with a stop codon.
Molecular consequence: nonsense.
Genome position (GRCh38, 1-based): chr14:96,852,920, T>A. VCF-style: chr14-96852920-T-A. GRCh37 (hg19) VCF-style: chr14-97319257-T-A.
Other names: c.464T>A, p.Leu155Ter (NM_001411051.1, NM_001411053.1); short protein forms L155*.
Identifiers: ClinVar variation 2541929 (VCV002541929.5), dbSNP rs1257821102, ClinGen allele CA390930408.